The following is an entry in ClinVar:

ClinVar aggregate classification (germline): Benign (1 of 4 stars; one submission).

Submission:

CeGaT Center for Human Genetics Tuebingen
Classification: Benign. Last evaluated: 2026-09-01. Review status: criteria provided, single submitter. Criteria: CeGaT Center For Human Genetics Tuebingen Variant Classification Criteria Version 2. Collection method: clinical testing. Allele origin: germline. Affected: yes. Observed: 1 variant allele.
Comment: SHOX2: BP4, BS1, BS2

NM_001163678.2(SHOX2):c.-9GCG[2]

Gene: SHOX2 (SHOX homeobox 2; minus strand). Cytogenetic location: 3q25.32.
Variant type: Microsatellite.
Coding change: c.-9GCG[2] on transcript NM_001163678.2 (MANE Select); two copies in a row of the 3-base unit GCG starting at c.-9; the reference has three copies in a row; one copy, 3 bases deleted.
Molecular consequence: 5 prime UTR variant.
Genome position (GRCh38, 1-based): chr3:158,106,025-158,106,027, CGC deleted on the plus strand (GCG on the coding strand, the reverse complement: SHOX2 is on the minus strand); deleting any 3 consecutive bases within chr3:158,106,025-158,106,033 gives the same sequence; the position shown is the placement nearest the transcript's 3' end. VCF-style (leftmost placement, unchanged base first): chr3-158106024-TCGC-T. GRCh37 (hg19) VCF-style: chr3-157823813-TCGC-T.
Other names: c.-9GCG[2] (NM_003030.4, NM_006884.3).
Identifiers: ClinVar variation 5040968 (VCV005040968.1).